The following is an entry in ClinVar:

NM_003073.5(SMARCB1):c.178_179del (p.Arg60fs)

Gene: SMARCB1 (SWI/SNF related BAF chromatin remodeling complex subunit B1; plus strand). Cytogenetic location: 22q11.23.
Variant type: Microsatellite.
Coding change: c.178_179del on transcript NM_003073.5 (MANE Select); coding-DNA positions 178 to 179, 2 bases deleted (AG; older notation c.178_179delAG).
Protein change: p.Arg60fs; shifts the reading frame from arginine 60.
Molecular consequence: frameshift variant.
Genome position (GRCh38, 1-based): chr22:23,791,840-23,791,841, AG deleted; deleting any 2 consecutive bases within chr22:23,791,836-23,791,841 gives the same sequence; the c. name uses the placement nearest the transcript's 3' end. VCF-style (leftmost placement, unchanged base first): chr22-23791835-AAG-A. GRCh37 (hg19) VCF-style: chr22-24134022-AAG-A.
Other names: c.178_179del, p.Arg60fs (NM_001007468.3, NM_001317946.2, NM_001362877.2); short protein forms R60fs.
Identifiers: ClinVar variation 486500 (VCV000486500.6), dbSNP rs1555875915, ClinGen allele CA645606648.

ClinVar aggregate classification (germline): Pathogenic (1 of 4 stars; one submission).

Conditions:
Hereditary cancer-predisposing syndrome. Also called: Tumor predisposition; Hereditary Cancer Syndrome; Neoplastic Syndromes, Hereditary; Hereditary neoplastic syndrome. Identifiers: Orphanet 140162, MedGen C0027672, MeSH D009386, MONDO:0015356.

Submission:

Ambry Genetics
Classification: Pathogenic for Hereditary cancer-predisposing syndrome. Last evaluated: 2026-01-12. Review status: criteria provided, single submitter. Criteria: Ambry Variant Classification Scheme 2023. Collection method: clinical testing. Allele origin: germline.
Comment: The c.178_179delAG pathogenic mutation, located in coding exon 2 of the SMARCB1 gene, results from a deletion of two nucleotides at nucleotide positions 178 to 179, causing a translational frameshift with a predicted alternate stop codon (p.R60Efs*10). This variant is considered to be rare based on population cohorts in the Genome Aggregation Database (gnomAD). This alteration is expected to result in loss of function by premature protein truncation or nonsense-mediated mRNA decay. Loss-of-function variants in SMARCB1 are known to cause rhabdoid tumor predisposition syndrome; however, such associations with neurodevelopmental disorders are exceedingly rare (Kosho T et al. Am J Med Genet C Semin Med Genet. 2014 Sep;166C(3):262-75; Eaton KW et al. Pediatr Blood Cancer. 2011 Jan;56(1):7-15). Based on the supporting evidence, this alteration is pathogenic for SMARCB1-related tumor predisposition syndrome; however, the association of this alteration with Coffin-Siris syndrome is unlikely.